The following is an entry in ClinVar:

NM_198586.3(NHLRC1):c.389C>A (p.Thr130Asn)

Gene: NHLRC1 (NHL repeat containing E3 ubiquitin protein ligase 1; minus strand). Cytogenetic location: 6p22.3.
Variant type: single nucleotide variant.
Coding change: c.389C>A on transcript NM_198586.3 (MANE Select); coding-DNA position 389, C replaced by A.
Protein change: p.Thr130Asn; replaces threonine 130 with asparagine.
Molecular consequence: missense variant.
Genome position (GRCh38, 1-based): chr6:18,122,218, G>T on the plus strand (C>A on the coding strand, the complement: NHLRC1 is on the minus strand). VCF-style: chr6-18122218-G-T. GRCh37 (hg19) VCF-style: chr6-18122449-G-T.
Other names: short protein forms T130N.
Identifiers: ClinVar variation 1415600 (VCV001415600.4), dbSNP rs1294825458, ClinGen allele CA362828593.

ClinVar aggregate classification (germline): Uncertain significance (1 of 4 stars; one submission).

Conditions:
Lafora disease. Also called: Epilepsy progressive myoclonic 2. Identifiers: Orphanet 501, MedGen C0751783, MONDO:0009697.

Allele frequency attached by ClinVar (database versions not stated): gnomAD exomes below 0.00001; TOPMed below 0.00001; gnomAD 0.00001.

Submission:

Labcorp Genetics (formerly Invitae), Labcorp
Classification: Uncertain significance for Lafora disease. Last evaluated: 2021-09-27. Review status: criteria provided, single submitter. Criteria: Invitae Variant Classification Sherloc (09022015). Collection method: clinical testing. Allele origin: germline.
Comment: In summary, the available evidence is currently insufficient to determine the role of this variant in disease. Therefore, it has been classified as a Variant of Uncertain Significance. Algorithms developed to predict the effect of missense changes on protein structure and function (SIFT, PolyPhen-2, Align-GVGD) all suggest that this variant is likely to be disruptive. This variant has not been reported in the literature in individuals affected with NHLRC1-related conditions. This variant is not present in population databases (ExAC no frequency). This sequence change replaces threonine with asparagine at codon 130 of the NHLRC1 protein (p.Thr130Asn). The threonine residue is highly conserved and there is a small physicochemical difference between threonine and asparagine.